The following is an entry in ClinVar:

ClinVar aggregate classification (germline): Uncertain significance (1 of 4 stars; one submission).

Conditions:
Autosomal dominant nonsyndromic hearing loss 65. Also called: Deafness, autosomal dominant 65; TBC1D24-Related Autosomal Dominant Nonsyndromic Hearing Loss (DFNA). Identifiers: Orphanet 90635, MedGen C3892048, MONDO:0014470, OMIM 616044.
Developmental and epileptic encephalopathy, 1 (DEE1). Also called: INFANTILE SPASM SYNDROME, X-LINKED 1; X-linked infantile spasms; West's syndrome; Tonic spasms with clustering, arrest of psychomotor development and hypsarrhythmia on EEG; X-Linked Infantile Spasm Syndrome; OHTAHARA SYNDROME, X-LINKED. Identifiers: MedGen C3463992, MONDO:0010632, OMIM 308350. Disease mechanism: loss of function.

Submission:

Labcorp Genetics (formerly Invitae), Labcorp
Classification: Uncertain significance for Developmental and epileptic encephalopathy, 1; Autosomal dominant nonsyndromic hearing loss 65. Last evaluated: 2023-11-11. Review status: criteria provided, single submitter. Criteria: Invitae Variant Classification Sherloc (09022015). Collection method: clinical testing. Allele origin: germline.
Comment: This sequence change replaces valine, which is neutral and non-polar, with leucine, which is neutral and non-polar, at codon 96 of the TBC1D24 protein (p.Val96Leu). This variant is not present in population databases (gnomAD no frequency). This variant has not been reported in the literature in individuals affected with TBC1D24-related conditions. Advanced modeling of protein sequence and biophysical properties (such as structural, functional, and spatial information, amino acid conservation, physicochemical variation, residue mobility, and thermodynamic stability) performed at Invitae indicates that this missense variant is not expected to disrupt TBC1D24 protein function with a negative predictive value of 80%. In summary, the available evidence is currently insufficient to determine the role of this variant in disease. Therefore, it has been classified as a Variant of Uncertain Significance.

NM_001199107.2(TBC1D24):c.286G>C (p.Val96Leu)

Gene: TBC1D24 (TBC1 domain family member 24; plus strand). Cytogenetic location: 16p13.3.
Variant type: single nucleotide variant.
Coding change: c.286G>C on transcript NM_001199107.2 (MANE Select); coding-DNA position 286, G replaced by C.
Protein change: p.Val96Leu; replaces valine 96 with leucine.
Molecular consequence: missense variant.
Genome position (GRCh38, 1-based): chr16:2,496,434, G>C. VCF-style: chr16-2496434-G-C. GRCh37 (hg19) VCF-style: chr16-2546435-G-C.
Other names: c.286G>C, p.Val96Leu (NM_020705.3); short protein forms V96L.
Identifiers: ClinVar variation 2940080 (VCV002940080.3), dbSNP rs755097854, ClinGen allele CA394375348.